The following is an entry in ClinVar:

NM_032119.4(ADGRV1):c.18676C>T (p.Pro6226Ser)

Gene: ADGRV1 (adhesion G protein-coupled receptor V1; plus strand). Cytogenetic location: 5q14.3.
Variant type: single nucleotide variant.
Coding change: c.18676C>T on transcript NM_032119.4 (MANE Select); coding-DNA position 18676, C replaced by T.
Protein change: p.Pro6226Ser; replaces proline 6226 with serine.
Molecular consequence: missense variant. On other transcripts: non-coding transcript variant (1).
Genome position (GRCh38, 1-based): chr5:91,153,272, C>T. VCF-style: chr5-91153272-C-T. GRCh37 (hg19) VCF-style: chr5-90449089-C-T.
Other names: short protein forms P6226S.
Identifiers: ClinVar variation 1498250 (VCV001498250.5), dbSNP rs1796208908, ClinGen allele CA360432548.

ClinVar aggregate classification (germline): Uncertain significance (1 of 4 stars; one submission).

Submission:

Labcorp Genetics (formerly Invitae), Labcorp
Classification: Uncertain significance. Last evaluated: 2021-09-24. Review status: criteria provided, single submitter. Criteria: Invitae Variant Classification Sherloc (09022015). Collection method: clinical testing. Allele origin: germline.
Comment: This sequence change replaces proline with serine at codon 6226 of the ADGRV1 protein (p.Pro6226Ser). The proline residue is weakly conserved and there is a moderate physicochemical difference between proline and serine. This variant is not present in population databases (ExAC no frequency). This variant has not been reported in the literature in individuals with ADGRV1-related conditions. Algorithms developed to predict the effect of missense changes on protein structure and function are either unavailable or do not agree on the potential impact of this missense change (SIFT: "Tolerated"; PolyPhen-2: "Possibly Damaging"; Align-GVGD: "Class C0"). In summary, the available evidence is currently insufficient to determine the role of this variant in disease. Therefore, it has been classified as a Variant of Uncertain Significance.